The following is an entry in ClinVar:

ClinVar aggregate classification (germline): Uncertain significance (1 of 4 stars; one submission).

Conditions:
Schuurs-Hoeijmakers syndrome. Also called: PACS1-Related Neurodevelopmental Disorder. Identifiers: Orphanet 329224, MedGen C3554343, MONDO:0014006, OMIM 615009.

Allele frequency attached by ClinVar (database versions not stated): gnomAD exomes 0.00001.
gnomAD v4.1: 11 of 1,612,920 alleles (0.00068%); highest among the groups gnomAD compares: South Asian, 0.0011%; no homozygotes.

Submission:

Labcorp Genetics (formerly Invitae), Labcorp
Classification: Uncertain significance for Schuurs-Hoeijmakers syndrome. Last evaluated: 2023-01-06. Review status: criteria provided, single submitter. Criteria: Invitae Variant Classification Sherloc (09022015). Collection method: clinical testing. Allele origin: germline.
Comment: Advanced modeling of protein sequence and biophysical properties (such as structural, functional, and spatial information, amino acid conservation, physicochemical variation, residue mobility, and thermodynamic stability) performed at Invitae indicates that this missense variant is not expected to disrupt PACS1 protein function. In summary, the available evidence is currently insufficient to determine the role of this variant in disease. Therefore, it has been classified as a Variant of Uncertain Significance. This sequence change replaces arginine, which is basic and polar, with tryptophan, which is neutral and slightly polar, at codon 587 of the PACS1 protein (p.Arg587Trp). This variant has not been reported in the literature in individuals affected with PACS1-related conditions. This variant is not present in population databases (gnomAD no frequency).

NM_018026.4(PACS1):c.1759C>T (p.Arg587Trp)

Gene: PACS1 (phosphofurin acidic cluster sorting protein 1; plus strand). Cytogenetic location: 11q13.2.
Variant type: single nucleotide variant.
Coding change: c.1759C>T on transcript NM_018026.4 (MANE Select); coding-DNA position 1759, C replaced by T.
Protein change: p.Arg587Trp; replaces arginine 587 with tryptophan.
Molecular consequence: missense variant.
Genome position (GRCh38, 1-based): chr11:66,232,987, C>T. VCF-style: chr11-66232987-C-T. GRCh37 (hg19) VCF-style: chr11-66000458-C-T.
Other names: short protein forms R587W.
Identifiers: ClinVar variation 2824385 (VCV002824385.3), dbSNP rs1200328009, ClinGen allele CA381370357.